The following is an entry in ClinVar:

NM_001024630.4(RUNX2):c.231_245dup (p.Ala89_Val90insAlaAlaAlaAlaAla)

Genes: RUNX2 (RUNX family transcription factor 2; plus strand), LOC109611589 (runt related transcription factor 2 polyalanine expansion region; plus strand). Cytogenetic location: 6p21.1.
Variant type: Duplication.
Coding change: c.231_245dup on transcript NM_001024630.4 (MANE Select); coding-DNA positions 231 to 245, 15 bases duplicated (TGCGGCGGCGGCGGC).
Protein change: p.Ala89_Val90insAlaAlaAlaAlaAla.
Molecular consequence: inframe insertion. On other transcripts: inframe indel (1).
Genome position (GRCh38, 1-based): chr6:45,422,765-45,422,779, TGCGGCGGCGGCGGC duplicated; duplicating any 15 consecutive bases within chr6:45,422,751-45,422,779 gives the same sequence; the c. name uses the placement nearest the transcript's 3' end. VCF-style (leftmost placement, unchanged base first): chr6-45422750-G-GGCGGCGGCGGCGGCT. GRCh37 (hg19) VCF-style: chr6-45390487-G-GGCGGCGGCGGCGGCT.
Other names: c.231_245dup, p.Ala89_Val90insAlaAlaAlaAlaAla (NM_001015051.4); c.189_203dup, p.Ala75_Val76insAlaAlaAlaAlaAla (NM_001278478.2, NM_001369405.1, NM_004348.3).
Identifiers: ClinVar variation 1901227 (VCV001901227.5), dbSNP rs759220330, ClinGen allele CA825105806.

ClinVar aggregate classification (germline): Uncertain significance (1 of 4 stars; one submission).

Submission:

Labcorp Genetics (formerly Invitae), Labcorp
Classification: Uncertain significance. Last evaluated: 2023-11-06. Review status: criteria provided, single submitter. Criteria: Invitae Variant Classification Sherloc (09022015). Collection method: clinical testing. Allele origin: germline.
Comment: This variant, c.231_245dup, results in the insertion of 5 amino acid(s) of the RUNX2 protein (p.Ala85_Ala89dup), but otherwise preserves the integrity of the reading frame. This variant is not present in population databases (gnomAD no frequency). This variant has not been reported in the literature in individuals affected with RUNX2-related conditions. ClinVar contains an entry for this variant (Variation ID: 1901227). In summary, the available evidence is currently insufficient to determine the role of this variant in disease. Therefore, it has been classified as a Variant of Uncertain Significance.